The following is an entry in ClinVar:

NM_000275.3(OCA2):c.380G>A (p.Trp127Ter)

Gene: OCA2 (OCA2 melanosomal transmembrane protein; minus strand). Cytogenetic location: 15q13.1.
Variant type: single nucleotide variant.
Coding change: c.380G>A on transcript NM_000275.3 (MANE Select); coding-DNA position 380, G replaced by A.
Protein change: p.Trp127Ter; replaces tryptophan 127 with a stop codon.
Molecular consequence: nonsense.
Genome position (GRCh38, 1-based): chr15:28,028,006, C>T on the plus strand (G>A on the coding strand, the complement: OCA2 is on the minus strand). VCF-style: chr15-28028006-C-T. GRCh37 (hg19) VCF-style: chr15-28273152-C-T.
Other names: c.380G>A, p.Trp127Ter (NM_001300984.2); short protein forms W127*.
Identifiers: ClinVar variation 5014234 (VCV005014234.1).

ClinVar aggregate classification (germline): Pathogenic (1 of 4 stars; one submission).

Conditions:
Tyrosinase-positive oculocutaneous albinism (OCA2). Also called: ALBINISM II; Oculocutaneous albinism type 2; Albinism, oculocutaneous, type II. Identifiers: Orphanet 79432, MedGen C0268495, MONDO:0008746, OMIM 203200.

Submission:

Myriad Genetics, Inc.
Classification: Pathogenic for Tyrosinase-positive oculocutaneous albinism. Last evaluated: 2025-03-20. Review status: criteria provided, single submitter. Criteria: Myriad Autosomal Dominant, Autosomal Recessive and X-Linked Classification Criteria (2023). Collection method: clinical testing. Allele origin: unknown.
Comment: NM_000275.2(OCA2):c.380G>A(W127*) is expected to be pathogenic in the context of oculocutaneous albinism, OCA2-related. This variant is predicted to lead to an abnormal or absent protein product due to the creation of a premature termination codon in OCA2, a gene where loss-of-function variants are known to be pathogenic. Please note: this variant was assessed in the context of healthy population screening.